The following is an entry in ClinVar:

NM_004387.4(NKX2-5):c.481_482del (p.Arg161fs)

Gene: NKX2-5 (NK2 homeobox 5; minus strand). Cytogenetic location: 5q35.1.
Variant type: Deletion.
Coding change: c.481_482del on transcript NM_004387.4 (MANE Select); coding-DNA positions 481 to 482, 2 bases deleted (CG; older notation c.481_482delCG).
Protein change: p.Arg161fs; shifts the reading frame from arginine 161.
Molecular consequence: frameshift variant. On other transcripts: 3 prime UTR variant (2).
Genome position (GRCh38, 1-based): chr5:173,233,062-173,233,063, CG deleted on the plus strand (CG on the coding strand, the reverse complement: NKX2-5 is on the minus strand); deleting any 2 consecutive bases within chr5:173,233,062-173,233,064 gives the same sequence; the c. name uses the placement nearest the transcript's 3' end. VCF-style (leftmost placement, unchanged base first): chr5-173233061-CCG-C. GRCh37 (hg19) VCF-style: chr5-172660064-CCG-C.
Other names: c.*434_*435del (NM_001166175.2); c.*280_*281del (NM_001166176.2); short protein forms R161fs.
Identifiers: ClinVar variation 4531982 (VCV004531982.1).

ClinVar aggregate classification (germline): Pathogenic (1 of 4 stars; one submission).

Conditions:
NKX2.5-related congenital, conduction and myopathic heart disease. Identifiers: MedGen CN372093, MONDO:0800441.

Submission:

Victorian Clinical Genetics Services, Murdoch Childrens Research Institute
Classification: Pathogenic for NKX2.5-related congenital, conduction and myopathic heart disease. Last evaluated: 2024-11-25. Review status: criteria provided, single submitter. Criteria: ACMG Guidelines, 2015. Collection method: clinical testing. Allele origin: germline. Affected: yes.
Comment: This variant is classified as Pathogenic. Evidence in support of pathogenic classification: Variant is predicted to result in a truncated protein (premature termination codon is NOT located at least 54 nucleotides upstream of the final exon-exon junction) with at least 1/3 of the protein sequence affected; Variant is absent from gnomAD (v2, v3 and v4); Other downstream protein truncating variant(s) comparable to the one identified in this case have very strong previous evidence for pathogenicity (DECIPHER). Additional information: This variant is heterozygous; This gene is associated with autosomal dominant disease; This variant has no previous evidence of pathogenicity; No published segregation evidence has been identified for this variant; No published functional evidence has been identified for this variant; Variant is predicted to disrupt part of the homeodomain (DECIPHER); Loss of function is a known mechanism of disease in this gene and is associated with NKX2-5-related disease (OMIM); Inheritance information for this variant is not currently available in this individual.